The following is an entry in ClinVar:

ClinVar aggregate classification (germline): Uncertain significance (1 of 4 stars; one submission).

gnomAD v4.1: 2 of 1,613,590 alleles (0.00012%); highest among the groups gnomAD compares: Non-Finnish European, 0.00017%; no homozygotes.

Submission:

Labcorp Genetics (formerly Invitae), Labcorp
Classification: Uncertain significance. Last evaluated: 2024-12-24. Review status: criteria provided, single submitter. Criteria: Invitae Variant Classification Sherloc (09022015). Collection method: clinical testing. Allele origin: germline.
Comment: This sequence change replaces phenylalanine, which is neutral and non-polar, with leucine, which is neutral and non-polar, at codon 798 of the CACNA2D4 protein (p.Phe798Leu). This variant is not present in population databases (gnomAD no frequency). This variant has not been reported in the literature in individuals affected with CACNA2D4-related conditions. An algorithm developed to predict the effect of missense changes on protein structure and function (PolyPhen-2) suggests that this variant is likely to be disruptive. In summary, the available evidence is currently insufficient to determine the role of this variant in disease. Therefore, it has been classified as a Variant of Uncertain Significance.

NM_172364.5(CACNA2D4):c.2394C>A (p.Phe798Leu)

Gene: CACNA2D4 (calcium voltage-gated channel auxiliary subunit alpha2delta 4; minus strand). Cytogenetic location: 12p13.33.
Variant type: single nucleotide variant.
Coding change: c.2394C>A on transcript NM_172364.5 (MANE Select); coding-DNA position 2394, C replaced by A.
Protein change: p.Phe798Leu; replaces phenylalanine 798 with leucine.
Molecular consequence: missense variant.
Genome position (GRCh38, 1-based): chr12:1,844,478, G>T on the plus strand (C>A on the coding strand, the complement: CACNA2D4 is on the minus strand). VCF-style: chr12-1844478-G-T. GRCh37 (hg19) VCF-style: chr12-1953644-G-T.
Other names: short protein forms F798L.
Identifiers: ClinVar variation 3727912 (VCV003727912.2).
Genomic context (GRCh38, chr12:1,844,478, plus strand): 5'-GCGGAGGTTGAAGACGAAGCTGCCAGCAGGATGCTCTGAGGCCTGGCGGTACCACAGCGG[G>T]AAGCGGTCCAGGGTGAACACGCTGGCCTCGTCCTCAGGTGTCAGGAACTTCCTGCAAGGA-3'
Protein context (NP_758952.4, residues 788-808): DEASVFTLDR[Phe798Leu]PLWYRQASEH